The following is an entry in ClinVar:

ClinVar aggregate classification (germline): Pathogenic (1 of 4 stars; one submission).

Conditions:
Hereditary breast ovarian cancer syndrome. Also called: Hereditary breast and ovarian cancer syndrome; Hereditary breast and ovarian cancer; Hereditary breast and/or ovarian cancer syndrome; Hereditary breast and ovarian cancer syndrome (HBOC); Breast and ovarian cancer; BRCA1- and BRCA2-Associated Hereditary Breast and Ovarian Cancer. Identifiers: Orphanet 145, MedGen C0677776, MeSH D061325, MONDO:0003582. Disease mechanism: loss of function.

Submission:

Labcorp Genetics (formerly Invitae), Labcorp
Classification: Pathogenic for Hereditary breast ovarian cancer syndrome. Last evaluated: 2021-10-31. Review status: criteria provided, single submitter. Criteria: Invitae Variant Classification Sherloc (09022015). Collection method: clinical testing. Allele origin: germline.
Comment: For these reasons, this variant has been classified as Pathogenic. This variant disrupts a region of the BRCA2 protein in which other variant(s) (p.Tyr3308*) have been determined to be pathogenic (PMID: 17026620, 18593900, 18607349, 22711857). This suggests that this is a clinically significant region of the protein, and that variants that disrupt it are likely to be disease-causing. This variant has not been reported in the literature in individuals affected with BRCA2-related conditions. This variant is a gross deletion of the genomic region encompassing exon(s) 10-27 of the BRCA2 gene, which includes the termination codon. This deletion extends beyond the assayed region for this gene and therefore may encompass additional genes. While this deletion is not anticipated to lead to nonsense mediated decay, it is expected to alter mRNA translation or result in a truncated protein product.

Literature cited by the submitters: PubMed 17026620; PubMed 18593900; PubMed 18607349; PubMed 22711857.

NC_000013.10:g.(?_32906389)_(32972907_?)del

Gene: BRCA2 (BRCA2 DNA repair associated; plus strand). Cytogenetic location: 13q13.1.
Variant type: Deletion.
Identifiers: ClinVar variation 2422269 (VCV002422269.6).